The following is an entry in ClinVar:

NM_018489.3(ASH1L):c.2113C>T (p.Gln705Ter)

Gene: ASH1L (ASH1 like histone lysine methyltransferase; minus strand). Cytogenetic location: 1q22.
Variant type: single nucleotide variant.
Coding change: c.2113C>T on transcript NM_018489.3 (MANE Select); coding-DNA position 2113, C replaced by T.
Protein change: p.Gln705Ter; replaces glutamine 705 with a stop codon.
Molecular consequence: nonsense.
Genome position (GRCh38, 1-based): chr1:155,480,757, G>A on the plus strand (C>T on the coding strand, the complement: ASH1L is on the minus strand). VCF-style: chr1-155480757-G-A. GRCh37 (hg19) VCF-style: chr1-155450548-G-A.
Other names: c.2113C>T, p.Gln705Ter (NM_001366177.2); short protein forms Q705*.
Identifiers: ClinVar variation 2692609 (VCV002692609.3), dbSNP rs2527185382, ClinGen allele CA342727623.
Genomic context (GRCh38, chr1:155,480,757, plus strand): 5'-TTGCCACCACTTTAGTCCACCGAGGTTTTCTTCCTTTTCTTTTTTTTAATGGTTTGGACT[G>A]CAAACTAGTACTTAGGCTTTCAGCAACTTGGCAGTGTTTGTCTGATGCAGATACTGCACC-3'

ClinVar aggregate classification (germline): Pathogenic (1 of 4 stars; one submission).

Submission:

Labcorp Genetics (formerly Invitae), Labcorp
Classification: Pathogenic. Last evaluated: 2023-11-01. Review status: criteria provided, single submitter. Criteria: Invitae Variant Classification Sherloc (09022015). Collection method: clinical testing. Allele origin: germline.
Comment: This sequence change creates a premature translational stop signal (p.Gln705*) in the ASH1L gene. It is expected to result in an absent or disrupted protein product. Loss-of-function variants in ASH1L are known to be pathogenic (PMID: 29276005). This variant is not present in population databases (gnomAD no frequency). This variant has not been reported in the literature in individuals affected with ASH1L-related conditions. For these reasons, this variant has been classified as Pathogenic.

Literature cited by the submitters: PubMed 29276005.